The following is an entry in ClinVar:

NM_001379270.1(CNGA1):c.1258C>T (p.Arg420Ter)

Genes: CNGA1 (cyclic nucleotide gated channel subunit alpha 1; minus strand), LOC101927157 (uncharacterized LOC101927157; plus strand). Cytogenetic location: 4p12.
Variant type: single nucleotide variant.
Coding change: c.1258C>T on transcript NM_001379270.1 (MANE Select); coding-DNA position 1258, C replaced by T.
Protein change: p.Arg420Ter; replaces arginine 420 with a stop codon.
Molecular consequence: nonsense.
Genome position (GRCh38, 1-based): chr4:47,937,224, G>A on the plus strand (C>T on the coding strand, the complement: CNGA1 is on the minus strand). VCF-style: chr4-47937224-G-A. GRCh37 (hg19) VCF-style: chr4-47939241-G-A.
Other names: c.1258C>T, p.Arg420Ter (NM_000087.5, NM_001142564.2); c.1270C>T (NM_000087.4); short protein forms R420*.
Identifiers: ClinVar variation 866760 (VCV000866760.12), dbSNP rs369717052, ClinGen allele CA2911107.

ClinVar aggregate classification (germline): Pathogenic/Likely pathogenic. Review status: criteria provided, multiple submitters, no conflicts (2 of 4 stars). 5 submissions from 5 submitters: Pathogenic (3); Likely pathogenic (1). 1 of the submissions does not count toward it. Last evaluated 2025-10-08.

Conditions:
Retinal dystrophy. Also called: Inherited retinal dystrophy. Identifiers: Orphanet 71862, MedGen C0854723, MeSH D058499, MONDO:0019118, HP:0000556.
Retinitis pigmentosa 49 (RP49). Identifiers: Orphanet 791, MedGen C3151059, MONDO:0013405, OMIM 613756.
CNGA1-related disorder. Also called: CNGA1-related condition.

Allele frequency attached by ClinVar (database versions not stated): gnomAD exomes below 0.00001 and 0.00002; gnomAD 0.00001; ExAC 0.00002; TOPMed 0.00003.
gnomAD v4.1: 36 of 1,613,808 alleles (0.0022%); highest among the groups gnomAD compares: Admixed American, 0.0033%; no homozygotes.

Submissions (5):

Variantyx, Inc.
Classification: Pathogenic for Retinitis pigmentosa 49. Last evaluated: 2025-10-08. Review status: criteria provided, single submitter. Criteria: Variantyx Assertion Criteria 2022. Collection method: clinical testing. Allele origin: germline. Inheritance: Autosomal recessive inheritance. Affected: no.
Comment: This is a nonsense variant in the CNGA1 gene (OMIM: 123825). Pathogenic variants in this gene have been associated with autosomal recessive retinitis pigmentosa 49. This variant introduces a premature termination codon in exon 11 out of 11 and is expected to result in loss of function, which is a known disease mechanism for CNGA1 in this disorder (PMID: 7479749) (PVS1). This variant has been identified in the homozygous or compound heterozygous state in at least 2 individuals reported in the published literature (PMID: 26496393, 31213501) (PM3) and has been observed to segregate with disease in at least 2 individuals from 1 family (PMID: 26496393) (PP1). This variant has a 0.0033% maximum allele frequency in non-founder control populations (PM2). Based on the current evidence, this variant is classified as pathogenic for autosomal recessive retinitis pigmentosa 49.

Labcorp Genetics (formerly Invitae), Labcorp
Classification: Pathogenic. Last evaluated: 2025-04-01. Review status: criteria provided, single submitter. Criteria: Invitae Variant Classification Sherloc (09022015). Collection method: clinical testing. Allele origin: germline.
Comment: This sequence change creates a premature translational stop signal (p.Arg424*) in the CNGA1 gene. While this is not anticipated to result in nonsense mediated decay, it is expected to disrupt the last 267 amino acid(s) of the CNGA1 protein. This variant is present in population databases (rs369717052, gnomAD 0.002%). This premature translational stop signal has been observed in individual(s) with autosomal recessive retinitis pigmentosa (PMID: 26496393). It has also been observed to segregate with disease in related individuals. This variant is also known as c.1477C>T (p.Arg493*). ClinVar contains an entry for this variant (Variation ID: 866760). For these reasons, this variant has been classified as Pathogenic.

GeneDx
Classification: Likely pathogenic. Last evaluated: 2022-10-28. Review status: criteria provided, single submitter. Criteria: GeneDx Variant Classification Process June 2021. Collection method: clinical testing. Allele origin: germline. Affected: yes.
Comment: Nonsense variant predicted to result in protein truncation, as the last 267 amino acids are lost, and other loss-of-function variants have been reported downstream in HGMD; Not observed at significant frequency in large population cohorts (gnomAD); This variant is associated with the following publications: (PMID: 26496393)

Blueprint Genetics
Classification: Pathogenic for CNGA1-related disorders. Last evaluated: 2022-09-01. Review status: criteria provided, single submitter. Criteria: ACMG Guidelines, 2015. Collection method: clinical testing. Allele origin: germline. Affected: yes. Observed: 5 variant alleles.

Institute of Human Genetics, Univ. Regensburg, Univ. Regensburg
Classification: Pathogenic for Retinal dystrophy. Last evaluated: 2012-01-01. Review status: no assertion criteria provided. Criteria: ACMG Guidelines, 2015. Collection method: clinical testing. Allele origin: germline. Affected: yes. Not counted in ClinVar's aggregate classification.

Literature cited by the submitters: PubMed 26496393 (cited by Variantyx, Inc. and Labcorp Genetics (formerly Invitae), Labcorp); PubMed 31213501 (cited by Variantyx, Inc.).